The following is an entry in ClinVar:

NM_003392.7(WNT5A):c.817G>A (p.Ala273Thr)

Gene: WNT5A (Wnt family member 5A; minus strand). Cytogenetic location: 3p14.3.
Variant type: single nucleotide variant.
Coding change: c.817G>A on transcript NM_003392.7 (MANE Select); coding-DNA position 817, G replaced by A.
Protein change: p.Ala273Thr; replaces alanine 273 with threonine.
Molecular consequence: missense variant.
Genome position (GRCh38, 1-based): chr3:55,470,418, C>T on the plus strand (G>A on the coding strand, the complement: WNT5A is on the minus strand). VCF-style: chr3-55470418-C-T. GRCh37 (hg19) VCF-style: chr3-55504446-C-T.
Other names: c.772G>A, p.Ala258Thr (NM_001256105.1, NM_001377271.1, NM_001377272.1); short protein forms A258T, A273T.
Identifiers: ClinVar variation 2631957 (VCV002631957.2), dbSNP rs2051227861, ClinGen allele CA353272543.

ClinVar aggregate classification (germline): Uncertain significance. Review status: criteria provided, multiple submitters, no conflicts (2 of 4 stars). 2 submissions from 2 submitters: Uncertain significance (2). Last evaluated 2023-01-26.

Conditions:
WNT5A-related disorder. Also called: WNT5A-related condition.

Allele frequency attached by ClinVar (database versions not stated): gnomAD exomes below 0.00001; TOPMed 0.00001.
gnomAD v4.1: 3 of 1,613,032 alleles (0.00019%); highest among the groups gnomAD compares: African/African-American, 0.0027%; no homozygotes.

Submissions (2):

Blueprint Genetics
Classification: Uncertain significance. Last evaluated: 2023-01-26. Review status: criteria provided, single submitter. Criteria: ACMG Guidelines, 2015. Collection method: clinical testing. Allele origin: germline.

PreventionGenetics, part of Exact Sciences
Classification: Uncertain significance for WNT5A-related condition. Last evaluated: 2022-09-07. Review status: criteria provided, single submitter. Criteria: ACMG Guidelines, 2015. Collection method: clinical testing. Allele origin: germline.
Comment: The WNT5A c.817G>A variant is predicted to result in the amino acid substitution p.Ala273Thr. To our knowledge, this variant has not been reported in the literature or in a large population database, indicating this variant is rare. At this time, the clinical significance of this variant is uncertain due to the absence of conclusive functional and genetic evidence.